The following is an entry in ClinVar:

ClinVar aggregate classification (germline): Uncertain significance. Review status: criteria provided, multiple submitters, no conflicts (2 of 4 stars). 2 submissions from 2 submitters: Uncertain significance (2). Last evaluated 2025-06-01.

Conditions:
Familial focal epilepsy with variable foci (FPEVF). Identifiers: Orphanet 98820, MedGen C1858477, MONDO:0020310.

Allele frequency attached by ClinVar (database versions not stated): gnomAD exomes below 0.00001; gnomAD 0.00001.
gnomAD v4.1: 3 of 1,613,664 alleles (0.00019%); highest among the groups gnomAD compares: Admixed American, 0.0017%; no homozygotes.

Submissions (2):

CeGaT Center for Human Genetics Tuebingen
Classification: Uncertain significance. Last evaluated: 2025-06-01. Review status: criteria provided, single submitter. Criteria: CeGaT Center For Human Genetics Tuebingen Variant Classification Criteria Version 2. Collection method: clinical testing. Allele origin: germline. Affected: yes. Observed: 2 variant alleles.
Comment: DEPDC5: PM2, BP4

Labcorp Genetics (formerly Invitae), Labcorp
Classification: Uncertain significance for Familial focal epilepsy with variable foci. Last evaluated: 2024-03-27. Review status: criteria provided, single submitter. Criteria: Invitae Variant Classification Sherloc (09022015). Collection method: clinical testing. Allele origin: germline.
Comment: This sequence change falls in intron 26 of the DEPDC5 gene. It does not directly change the encoded amino acid sequence of the DEPDC5 protein. It affects a nucleotide within the consensus splice site. This variant is not present in population databases (gnomAD no frequency). This variant has not been reported in the literature in individuals affected with DEPDC5-related conditions. ClinVar contains an entry for this variant (Variation ID: 1021269). Variants that disrupt the consensus splice site are a relatively common cause of aberrant splicing (PMID: 17576681, 9536098). Algorithms developed to predict the effect of sequence changes on RNA splicing suggest that this variant is not likely to affect RNA splicing. In summary, the available evidence is currently insufficient to determine the role of this variant in disease. Therefore, it has been classified as a Variant of Uncertain Significance.

Literature cited by the submitters: PubMed 17576681 (cited by Labcorp Genetics (formerly Invitae), Labcorp); PubMed 9536098 (cited by Labcorp Genetics (formerly Invitae), Labcorp).

NM_001242896.3(DEPDC5):c.2354+6T>C

Gene: DEPDC5 (DEP domain containing 5, GATOR1 subcomplex subunit; plus strand). Cytogenetic location: 22q12.3.
Variant type: single nucleotide variant.
Coding change: c.2354+6T>C on transcript NM_001242896.3 (MANE Select); 6 bases into the intron after coding-DNA position 2354, T replaced by C.
Molecular consequence: intron variant.
Genome position (GRCh38, 1-based): chr22:31,837,161, T>C. VCF-style: chr22-31837161-T-C. GRCh37 (hg19) VCF-style: chr22-32233147-T-C.
Other names: c.2270+6T>C (NM_001369902.1, NM_001369901.1); c.2354+6T>C (NM_001364320.2, NM_001364318.2, NM_001363852.2); c.2120+6T>C (NM_001364319.2, NM_001363854.2, NM_001242897.2); c.2327+6T>C (NM_001369903.1, NM_001136029.4, NM_014662.6).
Identifiers: ClinVar variation 1021269 (VCV001021269.16), dbSNP rs2091065559, ClinGen allele CA1025116534.